The following is an entry in ClinVar:

ClinVar aggregate classification (germline): Uncertain significance (1 of 4 stars; one submission).

Conditions:
Aicardi-Goutieres syndrome 6 (AGS6). Identifiers: Orphanet 51, MedGen C3539013, MONDO:0014007, OMIM 615010.
Symmetrical dyschromatosis of extremities (DSH). Also called: Dyschromatosis symmetrica hereditaria; DYSCHROMATOSIS SYMMETRICA HEREDITARIA 1; RETICULATE ACROPIGMENTATION OF DOHI; SYMMETRIC DYSCHROMATOSIS OF THE EXTREMITIES. Identifiers: Orphanet 41, MedGen C0406775, MONDO:0007483, OMIM 127400.

Submission:

Labcorp Genetics (formerly Invitae), Labcorp
Classification: Uncertain significance for Aicardi-Goutieres syndrome 6; Symmetrical dyschromatosis of extremities. Last evaluated: 2022-03-18. Review status: criteria provided, single submitter. Criteria: Invitae Variant Classification Sherloc (09022015). Collection method: clinical testing. Allele origin: germline.
Comment: This variant, c.643_789del, results in the deletion of 49 amino acid(s) of the ADAR protein (p.Gly215_Asp263del), but otherwise preserves the integrity of the reading frame. This variant is not present in population databases (gnomAD no frequency). This variant has not been reported in the literature in individuals affected with ADAR-related conditions. Experimental studies and prediction algorithms are not available or were not evaluated, and the functional significance of this variant is currently unknown. In summary, the available evidence is currently insufficient to determine the role of this variant in disease. Therefore, it has been classified as a Variant of Uncertain Significance.

NM_001111.5(ADAR):c.643_789del (p.Gly215_Asp263del)

Gene: ADAR (adenosine deaminase RNA specific; minus strand). Cytogenetic location: 1q21.3.
Variant type: Deletion.
Coding change: c.643_789del on transcript NM_001111.5 (MANE Select); coding-DNA positions 643 to 789, 147 bases deleted.
Protein change: p.Gly215_Asp263del.
Molecular consequence: inframe deletion. On other transcripts: 5 prime UTR variant (6).
Genome position (GRCh38, 1-based): chr1:154,601,853-154,601,999, 147 bases deleted. GRCh37 (hg19): chr1:154,574,370-154,574,516.
Other names: c.-243_-97del (NM_001025107.3, NM_001193495.2, NM_001365046.1 and 3 more transcripts); c.670_816del, p.Gly224_Asp272del (NM_001365045.1); c.643_789del, p.Gly215_Asp263del (NM_015840.4, NM_015841.4).
Identifiers: ClinVar variation 1390786 (VCV001390786.6), dbSNP rs2101641836, ClinGen allele CA2573131082.